The following is an entry in ClinVar:

ClinVar aggregate classification (germline): Uncertain significance (1 of 4 stars; one submission).

Conditions:
Alpha thalassemia-X-linked intellectual disability syndrome (ATRX). Also called: ATR-X syndrome; Alpha thalassemia mental retardation syndrome, nondeletion type, X-linked; XLMR hypotonic face syndrome; X-linked alpha-thalassemia-mental retardation syndrome; ALPHA-THALASSEMIA/IMPAIRED INTELLECTUAL DEVELOPMENT SYNDROME, X-LINKED; ALPHA-THALASSEMIA/MENTAL RETARDATION SYNDROME, X-LINKED. Identifiers: Orphanet 847, MedGen C1845055, MONDO:0010519, OMIM 301040.

Submission:

Labcorp Genetics (formerly Invitae), Labcorp
Classification: Uncertain significance for Alpha thalassemia-X-linked intellectual disability syndrome. Last evaluated: 2021-10-30. Review status: criteria provided, single submitter. Criteria: Invitae Variant Classification Sherloc (09022015). Collection method: clinical testing. Allele origin: germline.
Comment: Advanced modeling of protein sequence and biophysical properties (such as structural, functional, and spatial information, amino acid conservation, physicochemical variation, residue mobility, and thermodynamic stability) performed at Invitae indicates that this missense variant is not expected to disrupt ATRX protein function. In summary, the available evidence is currently insufficient to determine the role of this variant in disease. Therefore, it has been classified as a Variant of Uncertain Significance. This variant has not been reported in the literature in individuals affected with ATRX-related conditions. This variant is not present in population databases (gnomAD no frequency). This sequence change replaces methionine, which is neutral and non-polar, with valine, which is neutral and non-polar, at codon 1907 of the ATRX protein (p.Met1907Val).

NM_000489.6(ATRX):c.5719A>G (p.Met1907Val)

Gene: ATRX (ATRX chromatin remodeler; minus strand). Cytogenetic location: Xq21.1.
Variant type: single nucleotide variant.
Coding change: c.5719A>G on transcript NM_000489.6 (MANE Select); coding-DNA position 5719, A replaced by G.
Protein change: p.Met1907Val; replaces methionine 1907 with valine.
Molecular consequence: missense variant.
Genome position (GRCh38, 1-based): chrX:77,599,799, T>C on the plus strand (A>G on the coding strand, the complement: ATRX is on the minus strand). VCF-style: chrX-77599799-T-C. GRCh37 (hg19) VCF-style: chrX-76855268-T-C.
Other names: c.5605A>G, p.Met1869Val (NM_138270.5); short protein forms M1907V, M1869V.
Identifiers: ClinVar variation 1390280 (VCV001390280.6), dbSNP rs2066607060, ClinGen allele CA413698061.